The following is an entry in ClinVar:

ClinVar aggregate classification (germline): Uncertain significance. Review status: criteria provided, multiple submitters, no conflicts (2 of 4 stars). 3 submissions from 3 submitters: Uncertain significance (3). Last evaluated 2024-01-11.

Conditions:
Autosomal recessive ataxia, Beauce type. Also called: SYNE1-Related Autosomal Recessive Cerebellar Ataxia; Spinocerebellar ataxia, autosomal recessive 8; SYNE1 Deficiency; ATAXIA, RECESSIVE, OF BEAUCE. Identifiers: Orphanet 88644, MedGen C1853116, MONDO:0012549, OMIM 610743.
Emery-Dreifuss muscular dystrophy 4, autosomal dominant (EDMD4). Also called: EMERY-DREIFUSS MUSCULAR DYSTROPHY 4 WITH VARIABLE FEATURES. Identifiers: Orphanet 261, MedGen C2751807, MONDO:0013071, OMIM 612998.

Allele frequency attached by ClinVar (database versions not stated): gnomAD 0.00001; ExAC 0.00002; gnomAD exomes 0.00001 and 0.00002; TOPMed 0.00002.
gnomAD v4.1: 15 of 1,613,884 alleles (0.00093%); highest among the groups gnomAD compares: East Asian, 0.027%; no homozygotes.

Submissions (3):

Labcorp Genetics (formerly Invitae), Labcorp
Classification: Uncertain significance for Emery-Dreifuss muscular dystrophy 4, autosomal dominant; Autosomal recessive ataxia, Beauce type. Last evaluated: 2024-01-11. Review status: criteria provided, single submitter. Criteria: Invitae Variant Classification Sherloc (09022015). Collection method: clinical testing. Allele origin: germline.
Comment: This sequence change replaces aspartic acid, which is acidic and polar, with asparagine, which is neutral and polar, at codon 8677 of the SYNE1 protein (p.Asp8677Asn). This variant is present in population databases (rs767663894, gnomAD 0.02%). This variant has not been reported in the literature in individuals affected with SYNE1-related conditions. ClinVar contains an entry for this variant (Variation ID: 288507). An algorithm developed to predict the effect of missense changes on protein structure and function (PolyPhen-2) suggests that this variant¬¨‚Ä†is likely to be tolerated. In summary, the available evidence is currently insufficient to determine the role of this variant in disease. Therefore, it has been classified as a Variant of Uncertain Significance.

Blueprint Genetics
Classification: Uncertain significance. Last evaluated: 2018-10-26. Review status: criteria provided, single submitter. Criteria: ACMG Guidelines, 2015. Collection method: clinical testing. Allele origin: germline.

Eurofins Ntd Llc (ga)
Classification: Uncertain significance. Last evaluated: 2016-06-06. Review status: criteria provided, single submitter. Criteria: EGL Classification Definitions 2015. Collection method: clinical testing. Allele origin: germline. Observed: 1 variant allele, 1 heterozygote.

NM_182961.4(SYNE1):c.26173G>A (p.Asp8725Asn)

Genes: ESR1 (estrogen receptor 1; plus strand), SYNE1 (spectrin repeat containing nuclear envelope protein 1; minus strand). Cytogenetic location: 6q25.2.
Variant type: single nucleotide variant.
Coding change: c.26173G>A on transcript NM_182961.4 (MANE Select); coding-DNA position 26173, G replaced by A.
Protein change: p.Asp8725Asn; replaces aspartic acid 8725 with asparagine.
Molecular consequence: missense variant. On other transcripts: intron variant (1).
Genome position (GRCh38, 1-based): chr6:152,122,657, C>T on the plus strand (G>A on the coding strand, the complement: SYNE1 is on the minus strand). VCF-style: chr6-152122657-C-T. GRCh37 (hg19) VCF-style: chr6-152443792-C-T.
Other names: c.2720G>A, p.Arg907Gln (NM_001347701.2); c.2707G>A, p.Asp903Asn (NM_001347702.2); c.26029G>A, p.Asp8677Asn (NM_033071.5); c.851-2609C>T (NM_001328100.2); short protein forms D8677N, D8725N, R907Q, D903N.
Identifiers: ClinVar variation 288507 (VCV000288507.14), dbSNP rs767663894, ClinGen allele CA4052614.